The following is an entry in ClinVar:

ClinVar aggregate classification (germline): Pathogenic/Likely pathogenic. Review status: criteria provided, multiple submitters, no conflicts (2 of 4 stars). 11 submissions from 11 submitters: Pathogenic (7); Likely pathogenic (2). 2 of the submissions do not count toward it. Last evaluated 2026-06-16.

Conditions:
Marfan syndrome (MFS). Also called: MARFAN SYNDROME, TYPE I; FBN1-Related Marfan Syndrome; Marfan syndrome, classic; Marfan syndrome type 1; Marfan's syndrome. Identifiers: Orphanet 284963, Orphanet 558, MedGen C0024796, MONDO:0007947, OMIM 154700.
Familial thoracic aortic aneurysm and aortic dissection (TAAD). Also called: Thoracic aortic aneurysms and dissections. Identifiers: Orphanet 91387, MedGen C4707243, MONDO:0019625.
Marfan Syndrome/Loeys-Dietz Syndrome/Familial Thoracic Aortic Aneurysms and Dissections. Identifiers: MedGen CN229799.
FBN1-related disorder. Also called: FBN1-related disorders.

Allele frequency attached by ClinVar (database versions not stated): gnomAD exomes below 0.00001.
gnomAD v4.1: 1 of 1,613,448 alleles (0.000062%); highest among the groups gnomAD compares: Non-Finnish European, 0.000085%; no homozygotes.

Submissions (11):

PreventionGenetics, part of Exact Sciences
Classification: Pathogenic for FBN1-related condition. Last evaluated: 2026-06-16. Review status: criteria provided, single submitter. Criteria: ACMG Guidelines, 2015. Collection method: clinical testing. Allele origin: germline.
Comment: The FBN1 c.8038C>T variant is predicted to result in the amino acid substitution p.Arg2680Cys. This variant has been reported in individuals with Marfan syndrome (Palz et al. 2000. PubMed ID: 10756346; Comeglio et al. 2007. PubMed ID: 17657824; Arnaud et al. 2016. PubMed ID: 27582083), and was demonstrated to segregate with disease in a large Icelandic family (Klemenzdottir et al. 2023. PubMed ID: 37684520). This variant has not been reported in a large population database (gnomAD), indicating this variant is rare, and it is consistently interpreted as pathogenic/likely pathogenic by multiple submitters to the ClinVar database (Variation ID: 200127). This variant creates a cysteine residue that is located within one of the calcium-binding epidermal growth factor (cbEGF)-like domains of the FBN1 protein and missense variants in FBN1 that substitute or create a cysteine residue are well-documented to cause Marfan syndrome (Stheneur et al. 2009. PubMed ID: 19293843; Drackley et al. 2024. PubMed ID: 39741318). Taken together, this variant is interpreted as pathogenic.

Ambry Genetics
Classification: Pathogenic for Familial thoracic aortic aneurysm and aortic dissection. Last evaluated: 2026-05-13. Review status: criteria provided, single submitter. Criteria: Ambry Variant Classification Scheme 2023. Collection method: clinical testing. Allele origin: germline.
Comment: The p.R2680C pathogenic mutation (also known as c.8038C>T), located in coding exon 63 of the FBN1 gene, results from a C to T substitution at nucleotide position 8038. The arginine at codon 2680 is replaced by cysteine, an amino acid with highly dissimilar properties. This variant was reported in multiple individual(s) with features consistent with Marfan syndrome; in at least one individual, it was determined to be de novo (Palz M et al. Am. J. Med. Genet., 2000 Mar;91:212-21; Comeglio P et al. Hum. Mutat., 2007 Sep;28:928; Arnaud P et al. J Med Genet, 2017 02;54:100-103; Yagyu T et al. J Am Heart Assoc, 2023 Apr;12:e028625; Ambry internal data). In addition, this variant segregated with disease in at least one large family and was notable for predisposition to abdominal aneurysms (Klemenzdottir EO et al. Eur J Hum Genet, 2024 Jan;32:44-51). The majority of FBN1 mutations identified to date have involved the substitution or generation of cysteine residues within cbEGF domains (Vollbrandt T et al. J Biol Chem. 2004;279(31):32924-32931). This amino acid position is highly conserved in available vertebrate species. In addition, this alteration is predicted to be deleterious by in silico analysis. This variant is considered to be rare based on population cohorts in the Genome Aggregation Database (gnomAD). Based on the supporting evidence, this variant is interpreted as a disease-causing mutation.

GeneDx
Classification: Pathogenic. Last evaluated: 2025-08-04. Review status: criteria provided, single submitter. Criteria: GeneDx Variant Classification Process June 2021. Collection method: clinical testing. Allele origin: germline. Affected: yes.
Comment: Reported in the literature in association with Marfan syndrome or suspected Marfan syndrome in multiple individuals, several of whom had ectopia lentis and skeletal features without aortic dilation, and in patients referred for genetic testing at GeneDx (PMID: 17657824, 17679947, 27582083, 37684520); Introduces a new cysteine residue within an EGF-like domain of the FBN1 gene, which may affect disulfide bonding and is predicted to alter the structure and function of the protein; cysteine substitutions in the EGF-like domains represent the majority of pathogenic missense changes associated with FBN1-related disorders (PMID: 12938084); Not observed at significant frequency in large population cohorts (gnomAD); In silico analysis supports that this missense variant has a deleterious effect on protein structure/function; This variant is associated with the following publications: (PMID: 17568394, 8653794, 9401003, 18615205, 15054843, 17657824, 27647783, 27582083, 17679947, 33059708, 31751304, 37937776, 37684520, 12938084, 10756346)

Labcorp Genetics (formerly Invitae), Labcorp
Classification: Pathogenic for Marfan syndrome; Familial thoracic aortic aneurysm and aortic dissection. Last evaluated: 2025-05-05. Review status: criteria provided, single submitter. Criteria: Invitae Variant Classification Sherloc (09022015). Collection method: clinical testing. Allele origin: germline.
Comment: This sequence change replaces arginine, which is basic and polar, with cysteine, which is neutral and slightly polar, at codon 2680 of the FBN1 protein (p.Arg2680Cys). This variant is not present in population databases (gnomAD no frequency). This missense change has been observed in individual(s) with FBN1-related conditions and Marfan syndrome (PMID: 10756346, 12938084, 17657824, 27582083; internal data). In at least one individual the variant was observed to be de novo. ClinVar contains an entry for this variant (Variation ID: 200127). Invitae Evidence Modeling of protein sequence and biophysical properties (such as structural, functional, and spatial information, amino acid conservation, physicochemical variation, residue mobility, and thermodynamic stability) indicates that this missense variant is expected to disrupt FBN1 protein function with a positive predictive value of 95%. For these reasons, this variant has been classified as Pathogenic.

3billion
Classification: Likely pathogenic for Marfan syndrome. Last evaluated: 2024-11-20. Review status: criteria provided, single submitter. Criteria: ACMG Guidelines, 2015. Collection method: clinical testing. Allele origin: germline. Affected: yes.
Comment: The variant is observed at an extremely low frequency in the gnomAD v4.1.0 dataset (total allele frequency: <0.001%). Predicted Consequence/Location: Missense variant In silico tool predictions suggest damaging effect of the variant on gene or gene product [REVEL: 0.82 (>=0.6, sensitivity 0.68 and specificity 0.92)]. The same nucleotide change resulting in the same amino acid change has been previously reported as pathogenic/likely pathogenic with strong evidence (ClinVar ID: VCV000200127). A different missense change at the same codon (p.Arg2680His) has been reported to be associated with FBN1 related disorder (ClinVar ID: VCV000527153). Therefore, this variant is classified as Likely pathogenic according to the recommendation of ACMG/AMP guideline.

Women's Health and Genetics/Laboratory Corporation of America, LabCorp
Classification: Pathogenic for Marfan Syndrome/Loeys-Dietz Syndrome/Familial Thoracic Aortic Aneurysms and Dissections. Last evaluated: 2024-01-29. Review status: criteria provided, single submitter. Criteria: LabCorp Variant Classification Summary - May 2015. Collection method: clinical testing. Allele origin: germline.
Comment: Variant summary: FBN1 c.8038C>T (p.Arg2680Cys) results in a non-conservative amino acid change located in the EGF like domain (IPR001881) of the encoded protein sequence. Five of five in-silico tools predict a damaging effect of the variant on protein function. The variant was absent in 249484 control chromosomes (gnomAD). c.8038C>T has been reported in the literature in multiple individuals affected with Marfan Syndrome (examples: Collod-Beroud_1998, Palz_2000, and Klemenzdottir_2024). These data indicate that the variant is very likely to be associated with disease. The following publications have been ascertained in the context of this evaluation (PMID: 37684520, 9399842, 10756346). ClinVar contains an entry for this variant (Variation ID: 200127). Based on the evidence outlined above, the variant was classified as pathogenic.

Blueprint Genetics
Classification: Pathogenic for FBN1-related disorders. Last evaluated: 2022-07-20. Review status: criteria provided, single submitter. Criteria: ACMG Guidelines, 2015. Collection method: clinical testing. Allele origin: germline. Affected: yes. Observed: 3 variant alleles.

CHEO Genetics Diagnostic Laboratory, Children's Hospital of Eastern Ontario
Classification: Likely pathogenic for Familial thoracic aortic aneurysm and aortic dissection. Last evaluated: 2018-09-05. Review status: criteria provided, single submitter. Criteria: ACMG Guidelines, 2015. Collection method: clinical testing. Allele origin: germline.

Center for Human Genetics, Inc
Classification: Pathogenic for Marfan syndrome. Last evaluated: 2016-11-01. Review status: criteria provided, single submitter. Criteria: ACMG Guidelines, 2015. Collection method: clinical testing. Allele origin: germline. Affected: yes.

deCODE genetics, Amgen
Classification: Pathogenic for Marfan syndrome. Last evaluated: 2023-04-10. Review status: no assertion criteria provided. Collection method: case-control. Allele origin: germline. Affected: yes. Observed: 21 variant alleles. Not counted in ClinVar's aggregate classification.
Comment: The p.(Arg2680Cys) variant was identified in a six-generation Marfan syndrome family in Iceland. There are 21 carriers of the variant in this family, either diagnosed with Marfan syndrome and/or show clinical features consistent with Marfan syndrome. Overall p.(Arg2680Cys) appears to result in mild Marfan syndrome, but a strong predisposition to the development of abdominal aortic aneurysms. The variant associates with increased height (p-value 5.65*10-8; SD 1.46) and thoracid aortic aneurysm (p-value 0.042; OR 23.3). Applied ACMG criteria: PS4, PM2, PP2, PP4Applied ACMG criteria: PS4, PM2, PP2, PP3, PP4, PP5_strong

Center for Medical Genetics Ghent, University of Ghent
Classification: Likely pathogenic for Marfan syndrome. Last evaluated: 2017-11-07. Review status: no assertion criteria provided. Collection method: clinical testing. Allele origin: germline. Affected: yes. Not counted in ClinVar's aggregate classification.

Literature cited by the submitters: PubMed 10756346 (cited by 3 submitters); PubMed 17657824 (cited by Ambry Genetics and Labcorp Genetics (formerly Invitae), Labcorp); PubMed 27582083 (cited by Ambry Genetics and Labcorp Genetics (formerly Invitae), Labcorp); PubMed 37042257 (cited by Ambry Genetics); PubMed 37684520 (cited by 3 submitters); PubMed 12938084 (cited by Labcorp Genetics (formerly Invitae), Labcorp); PubMed 9399842 (cited by Women's Health and Genetics/Laboratory Corporation of America, LabCorp).

NM_000138.5(FBN1):c.8038C>T (p.Arg2680Cys)

Gene: FBN1 (fibrillin 1; minus strand). Cytogenetic location: 15q21.1.
Variant type: single nucleotide variant.
Coding change: c.8038C>T on transcript NM_000138.5 (MANE Select); coding-DNA position 8038, C replaced by T.
Protein change: p.Arg2680Cys; replaces arginine 2680 with cysteine.
Molecular consequence: missense variant.
Genome position (GRCh38, 1-based): chr15:48,415,549, G>A on the plus strand (C>T on the coding strand, the complement: FBN1 is on the minus strand). VCF-style: chr15-48415549-G-A. GRCh37 (hg19) VCF-style: chr15-48707746-G-A.
Other names: p.R2680C:CGC>TGC; short protein forms R2680C.
Identifiers: ClinVar variation 200127 (VCV000200127.63), dbSNP rs794728283, ClinGen allele CA017529.